The following is an entry in ClinVar:

NM_175875.5(SIX5):c.1301C>T (p.Thr434Met)

Gene: SIX5 (SIX homeobox 5; minus strand). Cytogenetic location: 19q13.32.
Variant type: single nucleotide variant.
Coding change: c.1301C>T on transcript NM_175875.5 (MANE Select); coding-DNA position 1301, C replaced by T.
Protein change: p.Thr434Met; replaces threonine 434 with methionine.
Molecular consequence: missense variant.
Genome position (GRCh38, 1-based): chr19:45,766,658, G>A on the plus strand (C>T on the coding strand, the complement: SIX5 is on the minus strand). VCF-style: chr19-45766658-G-A. GRCh37 (hg19) VCF-style: chr19-46269916-G-A.
Other names: c.1301C>T (NM_175875.4); short protein forms T434M.
Identifiers: ClinVar variation 2047082 (VCV002047082.5), dbSNP rs758236845, ClinGen allele CA9520641.
Genomic context (GRCh38, chr19:45,766,658, plus strand): 5'-ACCACTTGTGGGGCAGCCACAGCAGGCACTGGCCCCGGGGGCAGAGGAAAGGTGGCAGCC[G>A]TCGGGGGGCCAGGCACCACTTGGGCCAGGGGCCCCAGGACCTCCTCTCCAAGGGCTGGTC-3'
Protein context (NP_787071.3, residues 424-444): PLAQVVPGPP[Thr434Met]AATFPLPPGP

ClinVar aggregate classification (germline): Conflicting classifications of pathogenicity. Review status: criteria provided, conflicting classifications (1 of 4 stars). 2 submissions from 2 submitters: Uncertain significance (1); Likely benign (1). Last evaluated 2025-02-13.

Allele frequency attached by ClinVar (database versions not stated): gnomAD exomes 0.00002; TOPMed 0.00002; gnomAD 0.00001.
gnomAD v4.1: 24 of 1,486,610 alleles (0.0016%); highest among the groups gnomAD compares: Middle Eastern, 0.018%; no homozygotes.

Submissions (2):

Ambry Genetics
Classification: Likely benign. Last evaluated: 2025-02-13. Review status: criteria provided, single submitter. Criteria: Ambry Variant Classification Scheme 2023. Collection method: clinical testing. Allele origin: germline.

Labcorp Genetics (formerly Invitae), Labcorp
Classification: Uncertain significance. Last evaluated: 2024-05-31. Review status: criteria provided, single submitter. Criteria: Invitae Variant Classification Sherloc (09022015). Collection method: clinical testing. Allele origin: germline.
Comment: This sequence change replaces threonine, which is neutral and polar, with methionine, which is neutral and non-polar, at codon 434 of the SIX5 protein (p.Thr434Met). The frequency data for this variant in the population databases is considered unreliable, as metrics indicate poor data quality at this position in the gnomAD database. This variant has not been reported in the literature in individuals affected with SIX5-related conditions. ClinVar contains an entry for this variant (Variation ID: 2047082). Advanced modeling of protein sequence and biophysical properties (such as structural, functional, and spatial information, amino acid conservation, physicochemical variation, residue mobility, and thermodynamic stability) performed at Invitae indicates that this missense variant is not expected to disrupt SIX5 protein function with a negative predictive value of 80%. In summary, the available evidence is currently insufficient to determine the role of this variant in disease. Therefore, it has been classified as a Variant of Uncertain Significance.